The following is an entry in ClinVar:

NM_001005273.3(CHD3):c.3825C>A (p.Asp1275Glu)

Gene: CHD3 (chromodomain helicase DNA binding protein 3; plus strand). Cytogenetic location: 17p13.1.
Variant type: single nucleotide variant.
Coding change: c.3825C>A on transcript NM_001005273.3 (MANE Select); coding-DNA position 3825, C replaced by A.
Protein change: p.Asp1275Glu; replaces aspartic acid 1275 with glutamic acid.
Molecular consequence: missense variant.
Genome position (GRCh38, 1-based): chr17:7,903,922, C>A. VCF-style: chr17-7903922-C-A. GRCh37 (hg19) VCF-style: chr17-7807240-C-A.
Other names: c.4002C>A, p.Asp1334Glu (NM_001005271.3, NM_001437504.1); c.3990C>A, p.Asp1330Glu (NM_001437507.1, NM_001437508.1, NM_001437509.1); c.3825C>A, p.Asp1275Glu (NM_005852.4); short protein forms D1275E, D1330E, D1334E.
Identifiers: ClinVar variation 4292128 (VCV004292128.1).

ClinVar aggregate classification (germline): Uncertain significance (1 of 4 stars; one submission).

Conditions:
Snijders Blok-Campeau syndrome. Also called: INTELLECTUAL DEVELOPMENTAL DISORDER WITH MACROCEPHALY, SPEECH DELAY, AND DYSMORPHIC FACIES. Identifiers: Orphanet 599082, MedGen C4748701, MONDO:0032600, OMIM 618205.

Submission:

3billion
Classification: Uncertain significance for Snijders Blok-Campeau syndrome. Last evaluated: 2024-11-08. Review status: criteria provided, single submitter. Criteria: ACMG Guidelines, 2015. Collection method: clinical testing. Allele origin: germline. Affected: yes.
Comment: The variant is not observed in the gnomAD v4.1.0 dataset. Predicted Consequence/Location: Missense variant. Missense changes are a common disease-causing mechanism. In silico tool predictions suggest damaging effect of the variant on gene or gene product [3Cnet: 0.95 (>=0.6, sensitivity 0.72 and precision 0.9)]. Therefore, this variant is classified as VUS according to the recommendation of ACMG/AMP guideline.